The following is an entry in ClinVar:

ClinVar aggregate classification (germline): Likely benign. Review status: criteria provided, multiple submitters, no conflicts (2 of 4 stars). 4 submissions from 4 submitters: Likely benign (3). 1 of the submissions does not count toward it. Last evaluated 2025-12-10.

Conditions:
Alagille syndrome due to a JAG1 point mutation. Also called: Alagille Syndrome 1; HEPATIC DUCTULAR HYPOPLASIA, SYNDROMATIC; JAG1-Related Alagille Syndrome. Identifiers: Orphanet 261619, Orphanet 52, MedGen C1956125, MONDO:0016862, OMIM 118450.
JAG1-related disorder. Also called: JAG1-related disorders; JAG1-related condition.
Cardiovascular phenotype. Identifiers: MedGen CN230736.

Allele frequency attached by ClinVar (database versions not stated): ExAC 0.00001.
gnomAD v4.1: 9 of 1,614,216 alleles (0.00056%); highest among the groups gnomAD compares: South Asian, 0.0044%; no homozygotes.

Submissions (4):

Ambry Genetics
Classification: Likely benign for Cardiovascular phenotype. Last evaluated: 2025-12-10. Review status: criteria provided, single submitter. Criteria: Ambry Variant Classification Scheme 2023. Collection method: clinical testing. Allele origin: germline.

Labcorp Genetics (formerly Invitae), Labcorp
Classification: Likely benign for Alagille syndrome due to a JAG1 point mutation. Last evaluated: 2025-04-21. Review status: criteria provided, single submitter. Criteria: Invitae Variant Classification Sherloc (09022015). Collection method: clinical testing. Allele origin: germline.

Breakthrough Genomics
Classification: Likely benign. Review status: criteria provided, single submitter. Criteria: ACMG Guidelines, 2015. Collection method: not provided. Allele origin: germline. Inheritance: Autosomal dominant inheritance. Affected: yes.

PreventionGenetics, part of Exact Sciences
Classification: Likely benign for JAG1-related condition. Last evaluated: 2022-02-28. Review status: no assertion criteria provided. Collection method: clinical testing. Allele origin: germline. Not counted in ClinVar's aggregate classification.
Comment: This variant is classified as likely benign based on ACMG/AMP sequence variant interpretation guidelines (Richards et al. 2015 PMID: 25741868, with internal and published modifications).

NM_000214.3(JAG1):c.3531G>A (p.Thr1177=)

Gene: JAG1 (jagged canonical Notch ligand 1; minus strand). Cytogenetic location: 20p12.2.
Variant type: single nucleotide variant.
Coding change: c.3531G>A on transcript NM_000214.3 (MANE Select); coding-DNA position 3531, G replaced by A.
Protein change: p.Thr1177=; no amino-acid change (threonine 1177 retained).
Molecular consequence: synonymous variant.
Genome position (GRCh38, 1-based): chr20:10,639,624, C>T on the plus strand (G>A on the coding strand, the complement: JAG1 is on the minus strand). VCF-style: chr20-10639624-C-T. GRCh37 (hg19) VCF-style: chr20-10620272-C-T.
Other names: c.3531G>A (NM_000214.2).
Identifiers: ClinVar variation 1578407 (VCV001578407.12), dbSNP rs778296544, ClinGen allele CA9764192.
Genomic context (GRCh38, chr20:10,639,624, plus strand): 5'-TGTCCAGTTTGGGTGTTTTGTCGGCGTGCCGTTGGGGGGCTTCTCTTCTCTGTCTACCAG[C>T]GTGTACGCCGGCTGCTTGGCAAACCGGGCTTTCTGCTGGTGTTTGTCCATGTCGTCCTCT-3'
Protein context (NP_000205.1, residues 1167-1187): KARFAKQPAY[Thr1177=]LVDREEKPPN